The following is an entry in ClinVar:

NM_182920.2(ADAMTS9):c.4789G>A (p.Val1597Met)

Gene: ADAMTS9 (ADAM metallopeptidase with thrombospondin type 1 motif 9; minus strand). Cytogenetic location: 3p14.1.
Variant type: single nucleotide variant.
Coding change: c.4789G>A on transcript NM_182920.2 (MANE Select); coding-DNA position 4789, G replaced by A.
Protein change: p.Val1597Met; replaces valine 1597 with methionine.
Molecular consequence: missense variant.
Genome position (GRCh38, 1-based): chr3:64,550,972, C>T on the plus strand (G>A on the coding strand, the complement: ADAMTS9 is on the minus strand). VCF-style: chr3-64550972-C-T. GRCh37 (hg19) VCF-style: chr3-64536648-C-T.
Other names: c.4705G>A, p.Val1569Met (NM_001318781.2); short protein forms V1569M, V1597M.
Identifiers: ClinVar variation 716446 (VCV000716446.10), dbSNP rs80311637, ClinGen allele CA2480388.

ClinVar aggregate classification (germline): Benign. Review status: criteria provided, single submitter (1 of 4 stars). 2 submissions from 2 submitters: Benign (1). 1 of the submissions does not count toward it. Last evaluated 2026-01-06.

Conditions:
ADAMTS9-related disorder. Also called: ADAMTS9-related condition.

Allele frequency attached by ClinVar (database versions not stated): ESP Exome Variant Server 0.00023; gnomAD 0.00133 and 0.00174; TOPMed 0.00253; ExAC 0.00313; gnomAD exomes 0.00323; 1000 Genomes Project 30x 0.00781; 1000 Genomes Project 0.00839.
gnomAD v4.1: 2,259 of 1,614,210 alleles (0.14%); highest among the groups gnomAD compares: East Asian, 4.5%; 57 homozygotes.

Submissions (2):

Labcorp Genetics (formerly Invitae), Labcorp
Classification: Benign. Last evaluated: 2026-01-06. Review status: criteria provided, single submitter. Criteria: Invitae Variant Classification Sherloc (09022015). Collection method: clinical testing. Allele origin: germline.

PreventionGenetics, part of Exact Sciences
Classification: Benign for ADAMTS9-related condition. Last evaluated: 2019-05-23. Review status: no assertion criteria provided. Collection method: clinical testing. Allele origin: germline. Not counted in ClinVar's aggregate classification.
Comment: This variant is classified as benign based on ACMG/AMP sequence variant interpretation guidelines (Richards et al. 2015 PMID: 25741868, with internal and published modifications).